The following is an entry in ClinVar:

NM_012144.4(DNAI1):c.1063+1G>A

Gene: DNAI1 (dynein axonemal intermediate chain 1; plus strand). Cytogenetic location: 9p13.3.
Variant type: single nucleotide variant.
Coding change: c.1063+1G>A on transcript NM_012144.4 (MANE Select); the canonical splice donor site of the intron after coding-DNA position 1063, G replaced by A.
Molecular consequence: splice donor variant.
Genome position (GRCh38, 1-based): chr9:34,501,182, G>A. VCF-style: chr9-34501182-G-A. GRCh37 (hg19) VCF-style: chr9-34501180-G-A.
Other names: c.1075+1G>A (NM_001281428.2); c.1063+1G>A (NM_012144.3).
Identifiers: ClinVar variation 1066912 (VCV001066912.13), dbSNP rs1268770869, ClinGen allele CA373254172.

ClinVar aggregate classification (germline): Pathogenic/Likely pathogenic. Review status: criteria provided, multiple submitters, no conflicts (2 of 4 stars). 4 submissions from 4 submitters: Pathogenic (2); Likely pathogenic (2). Last evaluated 2025-06-05.

Conditions:
Primary ciliary dyskinesia. Also called: Ciliary dyskinesia. Identifiers: Orphanet 244, MedGen C0008780, MONDO:0016575, HP:0012265.
Kartagener syndrome (CILD1). Also called: CILIARY DYSKINESIA, PRIMARY, 1, WITH OR WITHOUT SITUS INVERSUS; IMMOTILE CILIA SYNDROME; CILIARY DYSKINESIA, PRIMARY, 1; SIEWERT SYNDROME; Dextrocardia bronchiectasis and sinusitis; POLYNESIAN BRONCHIECTASIS. Identifiers: Orphanet 244, MedGen C4551906, MONDO:0009484, OMIM 244400.

Allele frequency attached by ClinVar (database versions not stated): gnomAD exomes below 0.00001.
gnomAD v4.1: 1 of 1,611,408 alleles (0.000062%); highest among the groups gnomAD compares: Non-Finnish European, 0.000085%; no homozygotes.

Submissions (4):

Natera, Inc.
Classification: Pathogenic for Primary ciliary dyskinesia. Last evaluated: 2025-06-05. Review status: criteria provided, single submitter. Criteria: Natera Variant Classification Schema (03/2026). Collection method: clinical testing. Allele origin: germline.
Comment: The c.1063+1G>A variant in DNAI1 is a canonical splice donor site variant predicted to affect pre-mRNA splicing, which may result in an abnormal transcript and altered protein product. This variant is expected to result in nonsense mediated decay, truncation, or a dysfunctional protein product. This variant is rare in the general population with a frequency below the threshold expected for the associated phenotype(s). This variant has been observed in one or more individuals affected with the associated recessive disease, as either homozygous or compound heterozygous with a second variant (PMID: 33715250). Given the available evidence, this variant is classified as Pathogenic.

Fulgent Genetics
Classification: Likely pathogenic for Kartagener syndrome. Last evaluated: 2024-03-01. Review status: criteria provided, single submitter. Criteria: ACMG Guidelines, 2015. Collection method: clinical testing. Allele origin: germline.

Labcorp Genetics (formerly Invitae), Labcorp
Classification: Pathogenic for Primary ciliary dyskinesia. Last evaluated: 2023-06-09. Review status: criteria provided, single submitter. Criteria: Invitae Variant Classification Sherloc (09022015). Collection method: clinical testing. Allele origin: germline.
Comment: This variant is not present in population databases (gnomAD no frequency). For these reasons, this variant has been classified as Pathogenic. Algorithms developed to predict the effect of sequence changes on RNA splicing suggest that this variant may disrupt the consensus splice site. ClinVar contains an entry for this variant (Variation ID: 1066912). Disruption of this splice site has been observed in individual(s) with clinical features of primary ciliary dyskinesia (PMID: 33131162, 33715250). In at least one individual the data is consistent with being in trans (on the opposite chromosome) from a pathogenic variant. This sequence change affects a donor splice site in intron 12 of the DNAI1 gene. It is expected to disrupt RNA splicing. Variants that disrupt the donor or acceptor splice site typically lead to a loss of protein function (PMID: 16199547), and loss-of-function variants in DNAI1 are known to be pathogenic (PMID: 16858015, 29363216).

Department of Pathology and Laboratory Medicine, Sinai Health System
Classification: Likely pathogenic for Kartagener syndrome. Last evaluated: 2022-11-28. Review status: criteria provided, single submitter. Criteria: ACMG Guidelines, 2015. Collection method: research. Allele origin: germline.

Literature cited by the submitters: PubMed 33715250 (cited by Natera, Inc. and Labcorp Genetics (formerly Invitae), Labcorp); PubMed 33131162 (cited by Labcorp Genetics (formerly Invitae), Labcorp); PubMed 16199547 (cited by Labcorp Genetics (formerly Invitae), Labcorp); PubMed 16858015 (cited by Labcorp Genetics (formerly Invitae), Labcorp); PubMed 29363216 (cited by Labcorp Genetics (formerly Invitae), Labcorp).